The following is an entry in ClinVar:

NM_005337.5(NCKAP1L):c.1504C>T (p.Pro502Ser)

Gene: NCKAP1L (NCK associated protein 1 like; plus strand). Cytogenetic location: 12q13.2.
Variant type: single nucleotide variant.
Coding change: c.1504C>T on transcript NM_005337.5 (MANE Select); coding-DNA position 1504, C replaced by T.
Protein change: p.Pro502Ser; replaces proline 502 with serine.
Molecular consequence: missense variant.
Genome position (GRCh38, 1-based): chr12:54,519,211, C>T. VCF-style: chr12-54519211-C-T. GRCh37 (hg19) VCF-style: chr12-54912995-C-T.
Other names: c.1354C>T, p.Pro452Ser (NM_001184976.2); c.1504C>T (NM_005337.4); short protein forms P452S, P502S.
Identifiers: ClinVar variation 2178628 (VCV002178628.6), dbSNP rs141460193, ClinGen allele CA6609191.

ClinVar aggregate classification (germline): Uncertain significance. Review status: criteria provided, multiple submitters, no conflicts (2 of 4 stars). 3 submissions from 3 submitters: Uncertain significance (3). Last evaluated 2024-07-11.

Allele frequency attached by ClinVar (database versions not stated): gnomAD exomes 0.00001; TOPMed 0.00001; ESP Exome Variant Server 0.00008.
gnomAD v4.1: 14 of 1,572,154 alleles (0.00089%); highest among the groups gnomAD compares: Middle Eastern, 0.034%; no homozygotes.

Submissions (3):

Blueprint Genetics
Classification: Uncertain significance. Last evaluated: 2024-07-11. Review status: criteria provided, single submitter. Criteria: ACMG Guidelines, 2015. Collection method: clinical testing. Allele origin: germline.

Ambry Genetics
Classification: Uncertain significance. Last evaluated: 2024-06-26. Review status: criteria provided, single submitter. Criteria: Ambry Variant Classification Scheme 2023. Collection method: clinical testing. Allele origin: germline.

Labcorp Genetics (formerly Invitae), Labcorp
Classification: Uncertain significance. Last evaluated: 2022-05-11. Review status: criteria provided, single submitter. Criteria: Invitae Variant Classification Sherloc (09022015). Collection method: clinical testing. Allele origin: germline.
Comment: This variant has not been reported in the literature in individuals affected with NCKAP1L-related conditions. Algorithms developed to predict the effect of missense changes on protein structure and function (SIFT, PolyPhen-2, Align-GVGD) all suggest that this variant is likely to be tolerated. This variant is present in population databases (rs141460193, gnomAD 0.003%). This sequence change replaces proline, which is neutral and non-polar, with serine, which is neutral and polar, at codon 502 of the NCKAP1L protein (p.Pro502Ser). In summary, the available evidence is currently insufficient to determine the role of this variant in disease. Therefore, it has been classified as a Variant of Uncertain Significance.